The following is an entry in ClinVar:

NM_020533.3(MCOLN1):c.1597GAG[1] (p.Glu534del)

Gene: MCOLN1 (mucolipin TRP cation channel 1; plus strand). Cytogenetic location: 19p13.2.
Variant type: Microsatellite.
Coding change: c.1597GAG[1] on transcript NM_020533.3 (MANE Select); one copy of the 3-base unit GAG starting at c.1597; the reference has two copies in a row; one copy, 3 bases deleted.
Protein change: p.Glu534del; deletes glutamic acid 534.
Molecular consequence: inframe deletion.
Genome position (GRCh38, 1-based): chr19:7,533,547-7,533,549, GAG deleted; deleting any 3 consecutive bases within chr19:7,533,544-7,533,549 gives the same sequence; the position shown is the placement nearest the transcript's 3' end. VCF-style (leftmost placement, unchanged base first): chr19-7533543-AGAG-A. GRCh37 (hg19) VCF-style: chr19-7598429-AGAG-A.
Other names: short protein forms E534del.
Identifiers: ClinVar variation 5004499 (VCV005004499.1).

ClinVar aggregate classification (germline): Uncertain significance (1 of 4 stars; one submission).

Conditions:
Mucolipidosis type IV (ML4). Also called: ML IV. Identifiers: Orphanet 578, MedGen C0238286, MONDO:0009653, OMIM 252650.

Submission:

Myriad Genetics, Inc.
Classification: Uncertain significance for Mucolipidosis type IV. Last evaluated: 2026-02-26. Review status: criteria provided, single submitter. Criteria: Myriad Autosomal Dominant, Autosomal Recessive and X-Linked Classification Criteria (2023). Collection method: clinical testing. Allele origin: unknown.
Comment: NM_020533.2(MCOLN1):c.1600_1602delGAG(E534del) is an in-frame deletion classified as a variant of uncertain significance in the context of mucolipidosis IV. E534del has not been observed in cases with relevant disease. Relevant functional assessments of this variant are not available in the literature. E534del has not been observed in referenced population frequency databases. In summary, there is insufficient evidence to classify NM_020533.2(MCOLN1):c.1600_1602delGAG(E534del) as pathogenic or benign. Please note: this variant was assessed in the context of healthy population screening.